The following is an entry in ClinVar:

NM_000179.3(MSH6):c.3593C>G (p.Ala1198Gly)

Gene: MSH6 (mutS homolog 6; plus strand). Cytogenetic location: 2p16.3.
Variant type: single nucleotide variant.
Coding change: c.3593C>G on transcript NM_000179.3 (MANE Select); coding-DNA position 3593, C replaced by G.
Protein change: p.Ala1198Gly; replaces alanine 1198 with glycine.
Molecular consequence: missense variant. On other transcripts: non-coding transcript variant (5).
Genome position (GRCh38, 1-based): chr2:47,805,654, C>G. VCF-style: chr2-47805654-C-G. GRCh37 (hg19) VCF-style: chr2-48032793-C-G.
Other names: c.3203C>G, p.Ala1068Gly (NM_001281492.2); c.2687C>G, p.Ala896Gly (NM_001281493.2, NM_001281494.2, NM_001406811.1 and 6 more transcripts); c.3689C>G, p.Ala1230Gly (NM_001406795.1, NM_001406802.1); c.3593C>G, p.Ala1198Gly (NM_001406796.1, NM_001406800.1, NM_001406808.1 and 1 more transcripts); c.3296C>G, p.Ala1099Gly (NM_001406797.1, NM_001406801.1, NM_001406805.1 and 10 more transcripts); c.3419C>G, p.Ala1140Gly (NM_001406798.1); c.3068C>G, p.Ala1023Gly (NM_001406799.1, NM_001406806.1, NM_001406807.1); c.2729C>G, p.Ala910Gly (NM_001406803.1); and 7 more; short protein forms A1023G, A1068G, A1099G, A1140G, A1142G, A1172G, A1198G, A1200G.
Identifiers: ClinVar variation 3230560 (VCV003230560.1), dbSNP rs2530823216, ClinGen allele CA346760540.

ClinVar aggregate classification (germline): Uncertain significance (1 of 4 stars; one submission).

Conditions:
Hereditary cancer-predisposing syndrome. Also called: Neoplastic Syndromes, Hereditary; Tumor predisposition; Hereditary neoplastic syndrome; Hereditary Cancer Syndrome. Identifiers: Orphanet 140162, MedGen C0027672, MeSH D009386, MONDO:0015356.

Submission:

Ambry Genetics
Classification: Uncertain significance for Hereditary cancer-predisposing syndrome. Last evaluated: 2024-02-27. Review status: criteria provided, single submitter. Criteria: Ambry Variant Classification Scheme 2023. Collection method: clinical testing. Allele origin: germline.
Comment: The p.A1198G variant (also known as c.3593C>G), located in coding exon 7 of the MSH6 gene, results from a C to G substitution at nucleotide position 3593. The alanine at codon 1198 is replaced by glycine, an amino acid with similar properties. This amino acid position is conserved. In addition, the in silico prediction for this alteration is inconclusive. Based on the available evidence, the clinical significance of this alteration remains unclear.